The following is an entry in ClinVar:

NM_002335.4(LRP5):c.1256A>T (p.Asp419Val)

Gene: LRP5 (LDL receptor related protein 5; plus strand). Cytogenetic location: 11q13.2.
Variant type: single nucleotide variant.
Coding change: c.1256A>T on transcript NM_002335.4 (MANE Select); coding-DNA position 1256, A replaced by T.
Protein change: p.Asp419Val; replaces aspartic acid 419 with valine.
Molecular consequence: missense variant. On other transcripts: 5 prime UTR variant (1).
Genome position (GRCh38, 1-based): chr11:68,386,556, A>T. VCF-style: chr11-68386556-A-T. GRCh37 (hg19) VCF-style: chr11-68154024-A-T.
Other names: c.-510A>T (NM_001291902.2); short protein forms D419V.
Identifiers: ClinVar variation 2708056 (VCV002708056.4), dbSNP rs2496599301, ClinGen allele CA381612564.
Genomic context (GRCh38, chr11:68,386,556, plus strand): 5'-GGGCGTACCTGGACGGGTCTGGGGCGCAGACGCTGGTCAACACCGAGATCAACGACCCCG[A>T]TGGCATCGCGGTCGACTGGGTGGCCCGAAACCTCTACTGGACCGACACGGGCACGGACCG-3'
Protein context (NP_002326.2, residues 409-429): TLVNTEINDP[Asp419Val]GIAVDWVARN

ClinVar aggregate classification (germline): Uncertain significance. Review status: criteria provided, multiple submitters, no conflicts (2 of 4 stars). 2 submissions from 2 submitters: Uncertain significance (2). Last evaluated 2024-08-30.

gnomAD v4.1: 2 of 1,613,786 alleles (0.00012%); highest among the groups gnomAD compares: Non-Finnish European, 0.00017%; no homozygotes.

Submissions (2):

Women's Health and Genetics/Laboratory Corporation of America, LabCorp
Classification: Uncertain significance. Last evaluated: 2024-08-30. Review status: criteria provided, single submitter. Criteria: LabCorp Variant Classification Summary - May 2015. Collection method: clinical testing. Allele origin: germline.
Comment: Variant summary: LRP5 c.1256A>T (p.Asp419Val) results in a non-conservative amino acid change in the encoded protein sequence. Five of five in-silico tools predict a damaging effect of the variant on protein function. The variant was absent in 251102 control chromosomes. The available data on variant occurrences in the general population are insufficient to allow any conclusion about variant significance. To our knowledge, no occurrence of c.1256A>T in individuals affected with Familial Exudative Vitreoretinopathy and no experimental evidence demonstrating its impact on protein function have been reported. ClinVar contains an entry for this variant (Variation ID: 2708056). Based on the evidence outlined above, the variant was classified as uncertain significance.

Labcorp Genetics (formerly Invitae), Labcorp
Classification: Uncertain significance. Last evaluated: 2024-01-07. Review status: criteria provided, single submitter. Criteria: Invitae Variant Classification Sherloc (09022015). Collection method: clinical testing. Allele origin: germline.
Comment: This sequence change replaces aspartic acid, which is acidic and polar, with valine, which is neutral and non-polar, at codon 419 of the LRP5 protein (p.Asp419Val). This variant is not present in population databases (gnomAD no frequency). This variant has not been reported in the literature in individuals affected with LRP5-related conditions. Advanced modeling of protein sequence and biophysical properties (such as structural, functional, and spatial information, amino acid conservation, physicochemical variation, residue mobility, and thermodynamic stability) performed at Invitae indicates that this missense variant is expected to disrupt LRP5 protein function with a positive predictive value of 95%. In summary, the available evidence is currently insufficient to determine the role of this variant in disease. Therefore, it has been classified as a Variant of Uncertain Significance.